The following is an entry in ClinVar:

NM_152263.4(TPM3):c.64C>T (p.Arg22Trp)

Gene: TPM3 (tropomyosin 3; minus strand). Cytogenetic location: 1q21.3.
Variant type: single nucleotide variant.
Coding change: c.64C>T on transcript NM_152263.4 (MANE Select); coding-DNA position 64, C replaced by T.
Protein change: p.Arg22Trp; replaces arginine 22 with tryptophan.
Molecular consequence: missense variant. On other transcripts: non-coding transcript variant (1).
Genome position (GRCh38, 1-based): chr1:154,191,955, G>A on the plus strand (C>T on the coding strand, the complement: TPM3 is on the minus strand). VCF-style: chr1-154191955-G-A. GRCh37 (hg19) VCF-style: chr1-154164431-G-A.
Other names: c.64C>T, p.Arg22Trp (NM_001364679.2, NM_001364680.2, NM_001364681.2 and 1 more transcripts); short protein forms R22W.
Identifiers: ClinVar variation 2302273 (VCV002302273.6), dbSNP rs1414707302, ClinGen allele CA342587461.

ClinVar aggregate classification (germline): Uncertain significance. Review status: criteria provided, multiple submitters, no conflicts (2 of 4 stars). 3 submissions from 3 submitters: Uncertain significance (3). Last evaluated 2024-10-29.

Conditions:
Inborn genetic diseases. Identifiers: MedGen C0950123, MeSH D030342.
Congenital myopathy with fiber type disproportion. Also called: Congenital fiber-type disproportion myopathy; Congenital fiber-type disproportion. Identifiers: Orphanet 2020, MedGen C0546264, MONDO:0009711. Inheritance: all.
Congenital myopathy 4B, autosomal recessive. Also called: Nemaline myopathy 1, autosomal dominant or recessive. Identifiers: Orphanet 171433, Orphanet 171439, Orphanet 171881, MedGen C5829889, MONDO:0012239, OMIM 609284.

Allele frequency attached by ClinVar (database versions not stated): TOPMed below 0.00001; gnomAD 0.00001.
gnomAD v4.1: 8 of 1,613,738 alleles (0.0005%); highest among the groups gnomAD compares: African/African-American, 0.0013%; no homozygotes.

Submissions (3):

Labcorp Genetics (formerly Invitae), Labcorp
Classification: Uncertain significance for Congenital myopathy with fiber type disproportion; Congenital myopathy 4B, autosomal recessive. Last evaluated: 2024-10-29. Review status: criteria provided, single submitter. Criteria: Invitae Variant Classification Sherloc (09022015). Collection method: clinical testing. Allele origin: germline.
Comment: This sequence change replaces arginine, which is basic and polar, with tryptophan, which is neutral and slightly polar, at codon 22 of the TPM3 protein (p.Arg22Trp). This variant is present in population databases (no rsID available, gnomAD 0.002%). This variant has not been reported in the literature in individuals affected with TPM3-related conditions. ClinVar contains an entry for this variant (Variation ID: 2302273). An algorithm developed to predict the effect of missense changes on protein structure and function (PolyPhen-2) suggests that this variant is likely to be disruptive. In summary, the available evidence is currently insufficient to determine the role of this variant in disease. Therefore, it has been classified as a Variant of Uncertain Significance.

Revvity Omics, Revvity
Classification: Uncertain significance. Last evaluated: 2023-03-27. Review status: criteria provided, single submitter. Criteria: ACMG Guidelines, 2015. Collection method: clinical testing. Allele origin: germline.

Ambry Genetics
Classification: Uncertain significance for Inborn genetic diseases. Last evaluated: 2022-07-19. Review status: criteria provided, single submitter. Criteria: Ambry Variant Classification Scheme 2023. Collection method: clinical testing. Allele origin: germline.